The following is an entry in ClinVar:

NM_000540.3(RYR1):c.14385G>T (p.Trp4795Cys)

Gene: RYR1 (ryanodine receptor 1; plus strand). Cytogenetic location: 19q13.2.
Variant type: single nucleotide variant.
Coding change: c.14385G>T on transcript NM_000540.3 (MANE Select); coding-DNA position 14385, G replaced by T.
Protein change: p.Trp4795Cys; replaces tryptophan 4795 with cysteine.
Molecular consequence: missense variant.
Genome position (GRCh38, 1-based): chr19:38,580,002, G>T. VCF-style: chr19-38580002-G-T. GRCh37 (hg19) VCF-style: chr19-39070642-G-T.
Other names: c.14370G>T, p.Trp4790Cys (NM_001042723.2); short protein forms W4790C, W4795C.
Identifiers: ClinVar variation 2774227 (VCV002774227.3), dbSNP rs565173276, ClinGen allele CA061207.

ClinVar aggregate classification (germline): Uncertain significance. Review status: criteria provided, multiple submitters, no conflicts (2 of 4 stars). 2 submissions from 2 submitters: Uncertain significance (2). Last evaluated 2024-03-07.

Conditions:
Malignant hyperthermia, susceptibility to, 1 (MHS1). Also called: Malignant hyperthermia suceptibility 1; Anesthesia related hyperthermia; Malignant hyperpyrexia; Fulminating hyperpyrexia; Pharmacogenic myopathy; RYR1-Related Malignant Hyperthermia Susceptibility. Identifiers: Orphanet 423, MedGen C2930980, MONDO:0007783, OMIM 145600.

gnomAD v4.1: 1 of 1,614,124 alleles (0.000062%); highest among the groups gnomAD compares: Non-Finnish European, 0.000085%; no homozygotes.

Submissions (2):

Color Diagnostics, LLC DBA Color Health
Classification: Uncertain significance for Malignant hyperthermia, susceptibility to, 1. Last evaluated: 2024-03-07. Review status: criteria provided, single submitter. Criteria: ACMG Guidelines, 2015. Collection method: clinical testing. Allele origin: germline.
Comment: This missense variant replaces tryptophan with cysteine at codon 4795 of the RYR1 protein. Computational prediction suggests that this variant may have deleterious impact on protein structure and function (internally defined REVEL score threshold >= 0.7, PMID: 27666373). To our knowledge, functional studies have not been reported for this variant. This variant has not been reported in individuals affected with RYR1-related disorders in the literature. This variant has been identified in 1/251444 chromosomes in the general population by the Genome Aggregation Database (gnomAD). The available evidence is insufficient to determine the role of this variant in disease conclusively. Therefore, this variant is classified as a Variant of Uncertain Significance.

All of Us Research Program, National Institutes of Health
Classification: Uncertain significance for Malignant hyperthermia, susceptibility to, 1. Last evaluated: 2023-06-08. Review status: criteria provided, single submitter. Criteria: ACMG Guidelines, 2015. Collection method: clinical testing. Allele origin: germline. Inheritance: Autosomal dominant inheritance. Observed: 1 variant allele, 1 heterozygote.
Comment: This missense variant replaces tryptophan with cysteine at codon 4795 of the RYR1 protein. Computational prediction suggests that this variant may have deleterious impact on protein structure and function (internally defined REVEL score threshold >= 0.7, PMID: 27666373). To our knowledge, functional studies have not been reported for this variant. This variant has not been reported in individuals affected with RYR1-related disorders in the literature. This variant has been identified in 1/251444 chromosomes in the general population by the Genome Aggregation Database (gnomAD). The available evidence is insufficient to determine the role of this variant in disease conclusively. Therefore, this variant is classified as a Variant of Uncertain Significance.

This study involves interpretation of variants in research participants for the purpose of population health screening. Participant phenotype was not available at the time of variant classification. Additional details can be found in publication PMID: 35346344, PMCID: PMC8962531